The following is an entry in ClinVar:

NM_006269.2(RP1):c.2307G>C (p.Lys769Asn)

Gene: RP1 (RP1 axonemal microtubule associated; plus strand). Cytogenetic location: 8q12.1.
Variant type: single nucleotide variant.
Coding change: c.2307G>C on transcript NM_006269.2 (MANE Select); coding-DNA position 2307, G replaced by C.
Protein change: p.Lys769Asn; replaces lysine 769 with asparagine.
Molecular consequence: missense variant. On other transcripts: intron variant (1).
Genome position (GRCh38, 1-based): chr8:54,626,189, G>C. VCF-style: chr8-54626189-G-C. GRCh37 (hg19) VCF-style: chr8-55538749-G-C.
Other names: c.787+3901G>C (NM_001375654.1); short protein forms K769N.
Identifiers: ClinVar variation 1060265 (VCV001060265.9), dbSNP rs2129316544, ClinGen allele CA370993385.

ClinVar aggregate classification (germline): Uncertain significance (1 of 4 stars; one submission).

Submission:

Labcorp Genetics (formerly Invitae), Labcorp
Classification: Uncertain significance. Last evaluated: 2022-06-20. Review status: criteria provided, single submitter. Criteria: Invitae Variant Classification Sherloc (09022015). Collection method: clinical testing. Allele origin: germline.
Comment: Algorithms developed to predict the effect of missense changes on protein structure and function output the following: SIFT: "Tolerated"; PolyPhen-2: "Benign"; Align-GVGD: "Class C0". The asparagine amino acid residue is found in multiple mammalian species, which suggests that this missense change does not adversely affect protein function. In summary, the available evidence is currently insufficient to determine the role of this variant in disease. Therefore, it has been classified as a Variant of Uncertain Significance. ClinVar contains an entry for this variant (Variation ID: 1060265). This variant has not been reported in the literature in individuals affected with RP1-related conditions. This variant is not present in population databases (gnomAD no frequency). This sequence change replaces lysine, which is basic and polar, with asparagine, which is neutral and polar, at codon 769 of the RP1 protein (p.Lys769Asn).